The following is an entry in ClinVar:

NM_174916.3(UBR1):c.3526C>T (p.Gln1176Ter)

Gene: UBR1 (ubiquitin protein ligase E3 component n-recognin 1; minus strand). Cytogenetic location: 15q15.2.
Variant type: single nucleotide variant.
Coding change: c.3526C>T on transcript NM_174916.3 (MANE Select); coding-DNA position 3526, C replaced by T.
Protein change: p.Gln1176Ter; replaces glutamine 1176 with a stop codon.
Molecular consequence: nonsense.
Genome position (GRCh38, 1-based): chr15:43,002,688, G>A on the plus strand (C>T on the coding strand, the complement: UBR1 is on the minus strand). VCF-style: chr15-43002688-G-A. GRCh37 (hg19) VCF-style: chr15-43294886-G-A.
Other names: short protein forms Q1176*.
Identifiers: ClinVar variation 2760612 (VCV002760612.3), dbSNP rs1428221545, ClinGen allele CA392056813.

ClinVar aggregate classification (germline): Pathogenic (1 of 4 stars; one submission).

Submission:

Labcorp Genetics (formerly Invitae), Labcorp
Classification: Pathogenic. Last evaluated: 2023-09-14. Review status: criteria provided, single submitter. Criteria: Invitae Variant Classification Sherloc (09022015). Collection method: clinical testing. Allele origin: germline.
Comment: This sequence change creates a premature translational stop signal (p.Gln1176*) in the UBR1 gene. It is expected to result in an absent or disrupted protein product. Loss-of-function variants in UBR1 are known to be pathogenic (PMID: 24599544). This variant is not present in population databases (gnomAD no frequency). This variant has not been reported in the literature in individuals affected with UBR1-related conditions. For these reasons, this variant has been classified as Pathogenic.

Literature cited by the submitters: PubMed 24599544.